The following is an entry in ClinVar:

NM_000321.3(RB1):c.725C>G (p.Ala242Gly)

Gene: RB1 (RB transcriptional corepressor 1; plus strand). Cytogenetic location: 13q14.2.
Variant type: single nucleotide variant.
Coding change: c.725C>G on transcript NM_000321.3 (MANE Select); coding-DNA position 725, C replaced by G.
Protein change: p.Ala242Gly; replaces alanine 242 with glycine.
Molecular consequence: missense variant.
Genome position (GRCh38, 1-based): chr13:48,362,821, C>G. VCF-style: chr13-48362821-C-G. GRCh37 (hg19) VCF-style: chr13-48936957-C-G.
Other names: c.725C>G, p.Ala242Gly (NM_001407165.1, NM_001407166.1); short protein forms A242G.
Identifiers: ClinVar variation 2032411 (VCV002032411.5), dbSNP rs2138112099, ClinGen allele CA388159235.

ClinVar aggregate classification (germline): Uncertain significance. Review status: criteria provided, multiple submitters, no conflicts (2 of 4 stars). 2 submissions from 2 submitters: Uncertain significance (2). Last evaluated 2026-03-22.

Conditions:
Hereditary cancer-predisposing syndrome. Also called: Neoplastic Syndromes, Hereditary; Tumor predisposition; Hereditary Cancer Syndrome; Hereditary neoplastic syndrome. Identifiers: Orphanet 140162, MedGen C0027672, MeSH D009386, MONDO:0015356.
Retinoblastoma (RB1). Also called: RETINOBLASTOMA, SOMATIC. Identifiers: Orphanet 790, MedGen C0035335, MeSH D012175, MONDO:0008380, OMIM 180200, HP:0009919. Disease mechanism: loss of function. Inheritance: Both sporadic and heritable forms are tested..

Submissions (2):

Ambry Genetics
Classification: Uncertain significance for Hereditary cancer-predisposing syndrome. Last evaluated: 2026-03-22. Review status: criteria provided, single submitter. Criteria: Ambry Variant Classification Scheme 2023. Collection method: clinical testing. Allele origin: germline.
Comment: The p.A242G variant (also known as c.725C>G), located in coding exon 8 of the RB1 gene, results from a C to G substitution at nucleotide position 725. The alanine at codon 242 is replaced by glycine, an amino acid with similar properties. This amino acid position is conserved. In addition, the in silico prediction for this alteration is inconclusive. Based on the available evidence, the clinical significance of this variant remains unclear.

Labcorp Genetics (formerly Invitae), Labcorp
Classification: Uncertain significance for Retinoblastoma. Last evaluated: 2023-10-10. Review status: criteria provided, single submitter. Criteria: Invitae Variant Classification Sherloc (09022015). Collection method: clinical testing. Allele origin: germline.
Comment: This sequence change replaces alanine, which is neutral and non-polar, with glycine, which is neutral and non-polar, at codon 242 of the RB1 protein (p.Ala242Gly). This variant is not present in population databases (gnomAD no frequency). This variant has not been reported in the literature in individuals affected with RB1-related conditions. ClinVar contains an entry for this variant (Variation ID: 2032411). Advanced modeling of protein sequence and biophysical properties (such as structural, functional, and spatial information, amino acid conservation, physicochemical variation, residue mobility, and thermodynamic stability) performed at Invitae indicates that this missense variant is not expected to disrupt RB1 protein function. Algorithms developed to predict the effect of sequence changes on RNA splicing suggest that this variant may create or strengthen a splice site. In summary, the available evidence is currently insufficient to determine the role of this variant in disease. Therefore, it has been classified as a Variant of Uncertain Significance.